The following is an entry in ClinVar:

NM_001370259.2(MEN1):c.-3G>T

Gene: MEN1 (menin 1; minus strand). Cytogenetic location: 11q13.1.
Variant type: single nucleotide variant.
Coding change: c.-3G>T on transcript NM_001370259.2 (MANE Select); 3 bases upstream of the start codon, G replaced by T.
Molecular consequence: 5 prime UTR variant. On other transcripts: non-coding transcript variant (4).
Genome position (GRCh38, 1-based): chr11:64,810,112, C>A on the plus strand (G>T on the coding strand, the complement: MEN1 is on the minus strand). VCF-style: chr11-64810112-C-A. GRCh37 (hg19) VCF-style: chr11-64577584-C-A.
Other names: c.-3G>T (NM_130803.3, NM_130804.3, NM_000244.4 and 20 more transcripts).
Identifiers: ClinVar variation 4859889 (VCV004859889.1).

ClinVar aggregate classification (germline): Uncertain significance (1 of 4 stars; one submission).

Conditions:
Hereditary cancer-predisposing syndrome. Also called: Neoplastic Syndromes, Hereditary; Tumor predisposition; Hereditary Cancer Syndrome; Hereditary neoplastic syndrome. Identifiers: Orphanet 140162, MedGen C0027672, MeSH D009386, MONDO:0015356.

Submission:

Ambry Genetics
Classification: Uncertain significance for Hereditary cancer-predisposing syndrome. Last evaluated: 2026-04-07. Review status: criteria provided, single submitter. Criteria: Ambry Variant Classification Scheme 2023. Collection method: clinical testing. Allele origin: germline.
Comment: The c.-3G>T variant is located in the 5' untranslated region (5&rsquo; UTR) of the MEN1 gene. This variant results from a G to T substitution 3 bases upstream from the first translated codon. This nucleotide position is well conserved in available vertebrate species. Based on the available evidence, the clinical significance of this variant remains unclear.